The following is an entry in ClinVar:

ClinVar aggregate classification (germline): Uncertain significance (1 of 4 stars; one submission).

Submission:

Labcorp Genetics (formerly Invitae), Labcorp
Classification: Uncertain significance. Last evaluated: 2023-08-07. Review status: criteria provided, single submitter. Criteria: Invitae Variant Classification Sherloc (09022015). Collection method: clinical testing. Allele origin: unknown.
Comment: In summary, the available evidence is currently insufficient to determine the role of this variant in disease. Therefore, it has been classified as a Variant of Uncertain Significance. This variant disrupts a region of the COL4A4 protein in which other variant(s) (p.Pro198Ser) have been observed in individuals with COL4A4-related conditions (PMID: 29098738). This suggests that this is a clinically significant region of the protein, and that variants that disrupt it are likely to be disease-causing. This variant has not been reported in the literature in individuals affected with COL4A4-related conditions. This variant is a gross deletion of the genomic region encompassing exon(s) 8-9 of the COL4A4 gene. This variant would be expected to be in-frame, preserving the integrity of the reading frame.

Literature cited by the submitters: PubMed 29098738.

NC_000002.11:g.(?_227976374)_(227979432_?)del

Gene: COL4A4 (collagen type IV alpha 4 chain; minus strand). Cytogenetic location: 2q36.3.
Variant type: Deletion.
Identifiers: ClinVar variation 3247455 (VCV003247455.1).